The following is an entry in ClinVar:

NM_000301.5(PLG):c.1787T>G (p.Val596Gly)

Gene: PLG (plasminogen; plus strand). Cytogenetic location: 6q26.
Variant type: single nucleotide variant.
Coding change: c.1787T>G on transcript NM_000301.5 (MANE Select); coding-DNA position 1787, T replaced by G.
Protein change: p.Val596Gly; replaces valine 596 with glycine.
Molecular consequence: missense variant.
Genome position (GRCh38, 1-based): chr6:160,736,992, T>G. VCF-style: chr6-160736992-T-G. GRCh37 (hg19) VCF-style: chr6-161158024-T-G.
Other names: short protein forms V596G.
Identifiers: ClinVar variation 2193191 (VCV002193191.5), dbSNP rs372520102, ClinGen allele CA4087880.

ClinVar aggregate classification (germline): Uncertain significance. Review status: criteria provided, multiple submitters, no conflicts (2 of 4 stars). 2 submissions from 2 submitters: Uncertain significance (2). Last evaluated 2025-07-03.

Conditions:
Angioedema, hereditary, 4. Identifiers: MedGen C5543503, MONDO:0025712, OMIM 619360.
Plasminogen deficiency, type I. Also called: Hypoplasminogenemia; Type 1 plasminogen deficiency. Identifiers: Orphanet 722, MedGen C1968804, MONDO:0009009, OMIM 217090.

Allele frequency attached by ClinVar (database versions not stated): gnomAD exomes 0.00001; ExAC 0.00002; TOPMed 0.00002; gnomAD 0.00003; ESP Exome Variant Server 0.00008.
gnomAD v4.1: 15 of 1,613,370 alleles (0.00093%); highest among the groups gnomAD compares: Non-Finnish European, 0.0013%; no homozygotes.

Submissions (2):

Labcorp Genetics (formerly Invitae), Labcorp
Classification: Uncertain significance. Last evaluated: 2025-07-03. Review status: criteria provided, single submitter. Criteria: Invitae Variant Classification Sherloc (09022015). Collection method: clinical testing. Allele origin: germline.
Comment: This sequence change replaces valine, which is neutral and non-polar, with glycine, which is neutral and non-polar, at codon 596 of the PLG protein (p.Val596Gly). This variant is present in population databases (rs372520102, gnomAD 0.004%). This variant has not been reported in the literature in individuals affected with PLG-related conditions. ClinVar contains an entry for this variant (Variation ID: 2193191). Invitae Evidence Modeling of protein sequence and biophysical properties (such as structural, functional, and spatial information, amino acid conservation, physicochemical variation, residue mobility, and thermodynamic stability) indicates that this missense variant is not expected to disrupt PLG protein function with a negative predictive value of 80%. In summary, the available evidence is currently insufficient to determine the role of this variant in disease. Therefore, it has been classified as a Variant of Uncertain Significance.

Fulgent Genetics
Classification: Uncertain significance for Plasminogen deficiency, type I; Angioedema, hereditary, 4. Last evaluated: 2024-05-30. Review status: criteria provided, single submitter. Criteria: ACMG Guidelines, 2015. Collection method: clinical testing. Allele origin: germline.